The following is an entry in ClinVar:

ClinVar aggregate classification (germline): Likely pathogenic (1 of 4 stars; one submission).

Conditions:
Developmental delay, impaired speech, and behavioral abnormalities, with or without seizures (DEDISB). Identifiers: MedGen C5575272, MONDO:0859263, OMIM 619964.

Submission:

Juno Genomics, Hangzhou Juno Genomics, Inc
Classification: Likely pathogenic for Developmental delay, impaired speech, and behavioral abnormalities, with or without seizures. Review status: criteria provided, single submitter. Criteria: ACMG Guidelines, 2015. Collection method: clinical testing. Allele origin: germline.
Comment: Null variant in a gene where loss of function (LOF) is a known mechanism of disease.;Absent from controls (or at extremely low frequency if recessive) in Genome Aggregation Database.

NM_006421.5(ARFGEF1):c.1028-2A>G

Gene: ARFGEF1 (ARF guanine nucleotide exchange factor 1; minus strand). Cytogenetic location: 8q13.2.
Variant type: single nucleotide variant.
Coding change: c.1028-2A>G on transcript NM_006421.5 (MANE Select); the canonical splice acceptor site of the intron before coding-DNA position 1028, A replaced by G.
Molecular consequence: splice acceptor variant. On other transcripts: intron variant (1).
Genome position (GRCh38, 1-based): chr8:67,277,459, T>C on the plus strand (A>G on the coding strand, the complement: ARFGEF1 is on the minus strand). VCF-style: chr8-67277459-T-C. GRCh37 (hg19) VCF-style: chr8-68189694-T-C.
Other names: c.1028-2A>G (NM_001413186.1, NM_001413187.1, NM_001413185.1 and 7 more transcripts); c.428-2A>G (NM_001413188.1, NM_001413197.1, NM_001413193.1); c.-88-5523A>G (NM_001413196.1).
Identifiers: ClinVar variation 5007342 (VCV005007342.2).